The following is an entry in ClinVar:

ClinVar aggregate classification (germline): Likely benign. Review status: criteria provided, multiple submitters, no conflicts (2 of 4 stars). 2 submissions from 2 submitters: Likely benign (2). Last evaluated 2026-02-01.

gnomAD v4.1: 13 of 1,613,832 alleles (0.00081%); highest among the groups gnomAD compares: Admixed American, 0.012%; no homozygotes.

Submissions (2):

CeGaT Center for Human Genetics Tuebingen
Classification: Likely benign. Last evaluated: 2026-02-01. Review status: criteria provided, single submitter. Criteria: CeGaT Center For Human Genetics Tuebingen Variant Classification Criteria Version 2. Collection method: clinical testing. Allele origin: germline. Affected: yes. Observed: 1 variant allele.
Comment: TECR: BP4, BP7

Women's Health and Genetics/Laboratory Corporation of America, LabCorp
Classification: Likely benign. Last evaluated: 2025-02-14. Review status: criteria provided, single submitter. Criteria: LabCorp Variant Classification Summary - May 2015. Collection method: clinical testing. Allele origin: germline.

NM_138501.6(TECR):c.687A>G (p.Pro229=)

Gene: TECR (trans-2,3-enoyl-CoA reductase; plus strand). Cytogenetic location: 19p13.12.
Variant type: single nucleotide variant.
Coding change: c.687A>G on transcript NM_138501.6 (MANE Select); coding-DNA position 687, A replaced by G.
Protein change: p.Pro229=; no amino-acid change (proline 229 retained).
Molecular consequence: synonymous variant. On other transcripts: non-coding transcript variant (2).
Genome position (GRCh38, 1-based): chr19:14,565,224, A>G. VCF-style: chr19-14565224-A-G. GRCh37 (hg19) VCF-style: chr19-14676036-A-G.
Other names: c.732A>G, p.Pro244= (NM_001321170.1).
Identifiers: ClinVar variation 3769046 (VCV003769046.5).